The following is an entry in ClinVar:

ClinVar aggregate classification (germline): Likely benign (1 of 4 stars; one submission).

Conditions:
PCNT-related disorder. Also called: PCNT-related condition.

Submission:

PreventionGenetics, part of Exact Sciences
Classification: Likely benign for PCNT-related condition. Last evaluated: 2026-09-17. Review status: criteria provided, single submitter. Criteria: ACMG Guidelines, 2015. Collection method: clinical testing. Allele origin: germline.
Comment: This variant is classified as likely benign based on ACMG/AMP sequence variant interpretation guidelines (Richards et al. 2015 PMID: 25741868, with internal and published modifications).

NM_006031.6(PCNT):c.8064+5C>T

Gene: PCNT (pericentrin; plus strand). Cytogenetic location: 21q22.3.
Variant type: single nucleotide variant.
Coding change: c.8064+5C>T on transcript NM_006031.6 (MANE Select); 5 bases into the intron after coding-DNA position 8064, C replaced by T.
Molecular consequence: intron variant.
Genome position (GRCh38, 1-based): chr21:46,430,662, C>T. VCF-style: chr21-46430662-C-T. GRCh37 (hg19) VCF-style: chr21-47850576-C-T.
Other names: c.7710+5C>T (NM_001315529.2).
Identifiers: ClinVar variation 4992807 (VCV004992807.1).